The following is an entry in ClinVar:

NM_006662.3(SRCAP):c.8000C>T (p.Pro2667Leu)

Gene: SRCAP (Snf2 related CREBBP activator protein; plus strand). Cytogenetic location: 16p11.2.
Variant type: single nucleotide variant.
Coding change: c.8000C>T on transcript NM_006662.3 (MANE Select); coding-DNA position 8000, C replaced by T.
Protein change: p.Pro2667Leu; replaces proline 2667 with leucine.
Molecular consequence: missense variant.
Genome position (GRCh38, 1-based): chr16:30,738,040, C>T. VCF-style: chr16-30738040-C-T. GRCh37 (hg19) VCF-style: chr16-30749361-C-T.
Other names: short protein forms P2667L.
Identifiers: ClinVar variation 3580225 (VCV003580225.3).

ClinVar aggregate classification (germline): Uncertain significance. Review status: criteria provided, multiple submitters, no conflicts (2 of 4 stars). 2 submissions from 2 submitters: Uncertain significance (2). Last evaluated 2025-06-09.

Conditions:
Developmental delay, hypotonia, musculoskeletal defects, and behavioral abnormalities. Identifiers: MedGen C5562012, MONDO:0859202, OMIM 619595.
Floating-Harbor syndrome (FLHS). Also called: SRCAP-Related Floating-Harbor Syndrome; Short stature with delayed bone age, expressive language delay, a triangular face with a prominent nose and deep-set eyes; Pelletier-Leisti syndrome. Identifiers: Orphanet 2044, MedGen C0729582, MONDO:0007621, OMIM 136140.

gnomAD v4.1: 9 of 1,614,054 alleles (0.00056%); highest among the groups gnomAD compares: East Asian, 0.0022%; no homozygotes.

Submissions (2):

Labcorp Genetics (formerly Invitae), Labcorp
Classification: Uncertain significance. Last evaluated: 2025-06-09. Review status: criteria provided, single submitter. Criteria: Invitae Variant Classification Sherloc (09022015). Collection method: clinical testing. Allele origin: germline.
Comment: This sequence change replaces proline, which is neutral and non-polar, with leucine, which is neutral and non-polar, at codon 2667 of the SRCAP protein (p.Pro2667Leu). This variant is present in population databases (rs140120040, gnomAD 0.005%). This variant has not been reported in the literature in individuals affected with SRCAP-related conditions. ClinVar contains an entry for this variant (Variation ID: 3580225). Invitae Evidence Modeling of protein sequence and biophysical properties (such as structural, functional, and spatial information, amino acid conservation, physicochemical variation, residue mobility, and thermodynamic stability) indicates that this missense variant is not expected to disrupt SRCAP protein function with a negative predictive value of 80%. In summary, the available evidence is currently insufficient to determine the role of this variant in disease. Therefore, it has been classified as a Variant of Uncertain Significance.

Fulgent Genetics
Classification: Uncertain significance for Floating-Harbor syndrome; Developmental delay, hypotonia, musculoskeletal defects, and behavioral abnormalities. Last evaluated: 2024-06-18. Review status: criteria provided, single submitter. Criteria: ACMG Guidelines, 2015. Collection method: clinical testing. Allele origin: germline.